The following is an entry in ClinVar:

NM_001040108.2(MLH3):c.4039G>C (p.Gly1347Arg)

Gene: MLH3 (mutL homolog 3; minus strand). Cytogenetic location: 14q24.3.
Variant type: single nucleotide variant.
Coding change: c.4039G>C on transcript NM_001040108.2 (MANE Select); coding-DNA position 4039, G replaced by C.
Protein change: p.Gly1347Arg; replaces glycine 1347 with arginine.
Molecular consequence: missense variant.
Genome position (GRCh38, 1-based): chr14:75,022,865, C>G on the plus strand (G>C on the coding strand, the complement: MLH3 is on the minus strand). VCF-style: chr14-75022865-C-G. GRCh37 (hg19) VCF-style: chr14-75489568-C-G.
Other names: c.3967G>C, p.Gly1323Arg (NM_014381.3); short protein forms G1323R, G1347R.
Identifiers: ClinVar variation 3678318 (VCV003678318.3).

ClinVar aggregate classification (germline): Uncertain significance. Review status: criteria provided, multiple submitters, no conflicts (2 of 4 stars). 2 submissions from 2 submitters: Uncertain significance (2). Last evaluated 2025-04-20.

Conditions:
Colorectal cancer, hereditary nonpolyposis, type 7. Identifiers: Orphanet 144, MedGen C1858380, MONDO:0013725, OMIM 614385.

Submissions (2):

Ambry Genetics
Classification: Uncertain significance. Last evaluated: 2025-04-20. Review status: criteria provided, single submitter. Criteria: Ambry Variant Classification Scheme 2023. Collection method: clinical testing. Allele origin: germline.
Comment: The p.G1347R variant (also known as c.4039G>C), located in coding exon 10 of the MLH3 gene, results from a G to C substitution at nucleotide position 4039. The glycine at codon 1347 is replaced by arginine, an amino acid with dissimilar properties. This amino acid position is conserved. In addition, this alteration is predicted to be tolerated by in silico analysis. Based on the available evidence, the clinical significance of this variant remains unclear.

Labcorp Genetics (formerly Invitae), Labcorp
Classification: Uncertain significance for Colorectal cancer, hereditary nonpolyposis, type 7. Last evaluated: 2024-07-04. Review status: criteria provided, single submitter. Criteria: Invitae Variant Classification Sherloc (09022015). Collection method: clinical testing. Allele origin: germline.
Comment: This sequence change replaces glycine, which is neutral and non-polar, with arginine, which is basic and polar, at codon 1347 of the MLH3 protein (p.Gly1347Arg). This variant is not present in population databases (gnomAD no frequency). This variant has not been reported in the literature in individuals affected with MLH3-related conditions. Algorithms developed to predict the effect of missense changes on protein structure and function output the following: SIFT: "Not Available"; PolyPhen-2: "Possibly Damaging"; Align-GVGD: "Not Available". The arginine amino acid residue is found in multiple mammalian species, which suggests that this missense change does not adversely affect protein function. In summary, the available evidence is currently insufficient to determine the role of this variant in disease. Therefore, it has been classified as a Variant of Uncertain Significance.